The following is an entry in ClinVar:

NM_004984.4(KIF5A):c.3020+3A>G

Gene: KIF5A (kinesin family member 5A; plus strand). Cytogenetic location: 12q13.3.
Variant type: single nucleotide variant.
Coding change: c.3020+3A>G on transcript NM_004984.4 (MANE Select); 3 bases into the intron after coding-DNA position 3020, A replaced by G.
Molecular consequence: intron variant.
Genome position (GRCh38, 1-based): chr12:57,582,632, A>G. VCF-style: chr12-57582632-A-G. GRCh37 (hg19) VCF-style: chr12-57976415-A-G.
Other names: c.2753+3A>G (NM_001354705.2).
Identifiers: ClinVar variation 2152154 (VCV002152154.4), dbSNP rs2540517278, ClinGen allele CA2573105814.
Genomic context (GRCh38, chr12:57,582,632, plus strand): 5'-ATCCTGTGTTCTCAATGATGATCTCTTCAGGAAATGCCACAGATATCAATGACAATAGGT[A>G]CAACAGTCCCCACTACCCCTGGGTTCTCTGGGTGGGACCAGAAGAAATGATTAAATTTCC-3'

ClinVar aggregate classification (germline): Pathogenic (1 of 4 stars; one submission).

Conditions:
Spastic paraplegia. Identifiers: MedGen C0037772, HP:0001258.

Submission:

Labcorp Genetics (formerly Invitae), Labcorp
Classification: Pathogenic for Spastic paraplegia. Last evaluated: 2025-09-16. Review status: criteria provided, single submitter. Criteria: Invitae Variant Classification Sherloc (09022015). Collection method: clinical testing. Allele origin: germline.
Comment: This sequence change falls in intron 27 of the KIF5A gene. It does not directly change the encoded amino acid sequence of the KIF5A protein. RNA analysis indicates that this variant induces altered splicing and likely disrupts the C-terminus of the protein. This variant is not present in population databases (gnomAD no frequency). This variant has been observed in individual(s) with autosomal dominant amyotrophic lateral sclerosis (PMID: 29566793, 32815063). ClinVar contains an entry for this variant (Variation ID: 2152154). Variants that disrupt the consensus splice site are a relatively common cause of aberrant splicing (PMID: 17576681, 9536098). Studies have shown that this variant results in skipping of exon 27 and introduces a new termination codon (PMID: 37593923). However the mRNA is not expected to undergo nonsense-mediated decay. Other variant(s) that result in skipping of exon 27 have been determined to be pathogenic (PMID: 29342275, 29566793, 32815063). This suggests that this variant may also be clinically significant and likely to be disease-causing. For these reasons, this variant has been classified as Pathogenic.

Literature cited by the submitters: PubMed 29566793; PubMed 32815063; PubMed 17576681; PubMed 9536098; PubMed 37593923; PubMed 29342275.